The following is an entry in ClinVar:

NM_000435.3(NOTCH3):c.1369T>C (p.Cys457Arg)

Gene: NOTCH3 (notch receptor 3; minus strand). Cytogenetic location: 19p13.12.
Variant type: single nucleotide variant.
Coding change: c.1369T>C on transcript NM_000435.3 (MANE Select); coding-DNA position 1369, T replaced by C.
Protein change: p.Cys457Arg; replaces cysteine 457 with arginine.
Molecular consequence: missense variant.
Genome position (GRCh38, 1-based): chr19:15,188,998, A>G on the plus strand (T>C on the coding strand, the complement: NOTCH3 is on the minus strand). VCF-style: chr19-15188998-A-G. GRCh37 (hg19) VCF-style: chr19-15299809-A-G.
Other names: short protein forms C457R.
Identifiers: ClinVar variation 2756155 (VCV002756155.4), dbSNP rs2512661018, ClinGen allele CA404527555.

ClinVar aggregate classification (germline): Conflicting classifications of pathogenicity. Review status: criteria provided, conflicting classifications (1 of 4 stars). 2 submissions from 2 submitters: Pathogenic (1); Uncertain significance (1). Last evaluated 2024-04-19.

Submissions (2):

ARUP Laboratories, Molecular Genetics and Genomics, ARUP Laboratories
Classification: Pathogenic. Last evaluated: 2024-04-19. Review status: criteria provided, single submitter. Criteria: ARUP Molecular Germline Variant Investigation Process 2024. Collection method: clinical testing. Allele origin: germline.
Comment: The NOTCH3 c.1369T>C; p.Cys457Arg variant (chr19: 15299809), is reported in the literature in multiple individuals affected with CADASIL (Wu 2023, Zhang 2022). This variant is absent from the Genome Aggregation Database (v2.1.1), indicating it is not a common polymorphism. Computational analyses predict that this variant is deleterious (REVEL: 0.979). Most pathogenic NOTCH3 variants occur in exons 2-24 and either create or destroy a cysteine residue within an EGF-like domain (Rutten 2014), and thus the p.Cys457Arg variant is consistent with the predominant mechanism of disease in NOTCH3. Based on available information, this variant is considered to be likely pathogenic. References: Rutten JW et al. Interpretation of NOTCH3 mutations in the diagnosis of CADASIL. Expert Rev Mol Diagn. 2014 Jun;14(5):593-603. PMID: 24844136. Wu C et al. The genetic and phenotypic spectra of adult genetic leukoencephalopathies in a cohort of 309 patients. Brain. 2023 Jun 1;146(6):2364-2376. PMID: 36380532. Zhang C et al. Novel mutations in HTRA1-related cerebral small vessel disease and comparison with CADASIL. Ann Clin Transl Neurol. 2022 Oct;9(10):1586-1595. PMID: 36047879.

Labcorp Genetics (formerly Invitae), Labcorp
Classification: Uncertain significance. Last evaluated: 2023-09-12. Review status: criteria provided, single submitter. Criteria: Invitae Variant Classification Sherloc (09022015). Collection method: clinical testing. Allele origin: germline.
Comment: This variant is not present in population databases (gnomAD no frequency). In summary, the available evidence is currently insufficient to determine the role of this variant in disease. Therefore, it has been classified as a Variant of Uncertain Significance. Advanced modeling of protein sequence and biophysical properties (such as structural, functional, and spatial information, amino acid conservation, physicochemical variation, residue mobility, and thermodynamic stability) performed at Invitae indicates that this missense variant is expected to disrupt NOTCH3 protein function. This variant has not been reported in the literature in individuals affected with NOTCH3-related conditions. This sequence change replaces cysteine, which is neutral and slightly polar, with arginine, which is basic and polar, at codon 457 of the NOTCH3 protein (p.Cys457Arg).